The following is an entry in ClinVar:

NM_001382.4(DPAGT1):c.349G>A (p.Val117Ile)

Gene: DPAGT1 (dolichyl-phosphate N-acetylglucosaminephosphotransferase 1; minus strand). Cytogenetic location: 11q23.3.
Variant type: single nucleotide variant.
Coding change: c.349G>A on transcript NM_001382.4 (MANE Select); coding-DNA position 349, G replaced by A.
Protein change: p.Val117Ile; replaces valine 117 with isoleucine.
Molecular consequence: missense variant.
Genome position (GRCh38, 1-based): chr11:119,100,777, C>T on the plus strand (G>A on the coding strand, the complement: DPAGT1 is on the minus strand). VCF-style: chr11-119100777-C-T. GRCh37 (hg19) VCF-style: chr11-118971487-C-T.
Other names: short protein forms V117I.
Identifiers: ClinVar variation 36918 (VCV000036918.6), dbSNP rs387907243, ClinGen allele CA129971.

ClinVar aggregate classification (germline): Likely pathogenic. Review status: criteria provided, single submitter (1 of 4 stars). 2 submissions from 2 submitters: Likely pathogenic (1). 1 of the submissions does not count toward it. Last evaluated 2025-10-02.

Conditions:
DPAGT1-congenital disorder of glycosylation. Also called: DPAGT1-CDG; CDG Ij; CONGENITAL DISORDER OF GLYCOSYLATION, TYPE Ij. Identifiers: Orphanet 86309, MedGen C2931004, MONDO:0011964, OMIM 608093.
Congenital myasthenic syndrome 13 (CMS13). Also called: Myasthenic syndrome, congenital, 13, with tubular aggregates; Myasthenic syndrome, congenital, with tubular aggregates 2. Identifiers: Orphanet 353327, Orphanet 590, MedGen C3553645, MONDO:0013883, OMIM 614750.

Allele frequency attached by ClinVar (database versions not stated): gnomAD exomes 0.00003; TOPMed 0.00001.

Submissions (2):

Labcorp Genetics (formerly Invitae), Labcorp
Classification: Likely pathogenic for Congenital myasthenic syndrome 13; DPAGT1-congenital disorder of glycosylation. Last evaluated: 2025-10-02. Review status: criteria provided, single submitter. Criteria: Invitae Variant Classification Sherloc (09022015). Collection method: clinical testing. Allele origin: germline.
Comment: This sequence change replaces valine, which is neutral and non-polar, with isoleucine, which is neutral and non-polar, at codon 117 of the DPAGT1 protein (p.Val117Ile). This variant is not present in population databases (gnomAD no frequency). This missense change has been observed in individual(s) with congenital myasthenic syndrome (PMID: 22742743). In at least one individual the data is consistent with being in trans (on the opposite chromosome) from a pathogenic variant. ClinVar contains an entry for this variant (Variation ID: 36918). Invitae Evidence Modeling of protein sequence and biophysical properties (such as structural, functional, and spatial information, amino acid conservation, physicochemical variation, residue mobility, and thermodynamic stability) indicates that this missense variant is not expected to disrupt DPAGT1 protein function with a negative predictive value of 80%. In summary, the currently available evidence indicates that the variant is pathogenic, but additional data are needed to prove that conclusively. Therefore, this variant has been classified as Likely Pathogenic.

OMIM
Classification: Pathogenic for MYASTHENIC SYNDROME, CONGENITAL, 13. Last evaluated: 2012-07-13. Review status: no assertion criteria provided. Collection method: literature only. Allele origin: germline. Not counted in ClinVar's aggregate classification.

Literature cited by the submitters: PubMed 22742743 (cited by Labcorp Genetics (formerly Invitae), Labcorp and OMIM).